The following is an entry in ClinVar:

ClinVar aggregate classification (germline): Uncertain significance. Review status: criteria provided, single submitter (1 of 4 stars). 2 submissions from 2 submitters: Uncertain significance (1). 1 of the submissions does not count toward it. Last evaluated 2016-12-19.

Conditions:
Arthrogryposis, distal, with impaired proprioception and touch (DAIPT). Identifiers: MedGen C4310692, MONDO:0014941, OMIM 617146.

Submissions (2):

GeneDx
Classification: Uncertain significance. Last evaluated: 2016-12-19. Review status: criteria provided, single submitter. Criteria: GeneDx Variant Classification (06012015). Collection method: clinical testing. Allele origin: germline. Affected: yes.
Comment: The W1965X variant in the PIEZO2 gene has not been reported previously as a pathogenic variant nor as a benignvariant, to our knowledge. This variant is predicted to cause loss of normal protein function either through proteintruncation or nonsense-mediated mRNA decay. The W1965X variant was not observed in approximately 2300individuals of European and African American ancestry in the NHLBI Exome Sequencing Project, indicating it is nota common benign variant in these populations. We interpret W1965X as a variant of uncertain significance.

Department of Pediatrics, Uniklinik RWTH Aachen
Classification: Pathogenic for Arthrogryposis, distal, with impaired proprioception and touch. Review status: no assertion criteria provided. Collection method: phenotyping only. Allele origin: inherited. Inheritance: Autosomal recessive inheritance. Affected: yes. Observed: 1 variant allele, 1 homozygote. Not counted in ClinVar's aggregate classification.

NM_001378183.1(PIEZO2):c.6234G>A (p.Trp2078Ter)

Gene: PIEZO2 (piezo type mechanosensitive ion channel component 2; minus strand). Cytogenetic location: 18p11.22.
Variant type: single nucleotide variant.
Coding change: c.6234G>A on transcript NM_001378183.1 (MANE Select); coding-DNA position 6234, G replaced by A.
Protein change: p.Trp2078Ter; replaces tryptophan 2078 with a stop codon.
Molecular consequence: nonsense.
Genome position (GRCh38, 1-based): chr18:10,704,418, C>T on the plus strand (G>A on the coding strand, the complement: PIEZO2 is on the minus strand). VCF-style: chr18-10704418-C-T. GRCh37 (hg19) VCF-style: chr18-10704416-C-T.
Other names: c.5895G>A, p.Trp1965Ter (NM_022068.4); short protein forms W1965*, W2078*.
Identifiers: ClinVar variation 440912 (VCV000440912.4), dbSNP rs1555627917, ClinGen allele CA401909677.